The following is an entry in ClinVar:

NM_000548.5(TSC2):c.2838-2A>G

Gene: TSC2 (TSC complex subunit 2; plus strand). Cytogenetic location: 16p13.3.
Variant type: single nucleotide variant.
Coding change: c.2838-2A>G on transcript NM_000548.5 (MANE Select); the canonical splice acceptor site of the intron before coding-DNA position 2838, A replaced by G.
Molecular consequence: splice acceptor variant. On other transcripts: intron variant (31).
Genome position (GRCh38, 1-based): chr16:2,077,596, A>G. VCF-style: chr16-2077596-A-G. GRCh37 (hg19) VCF-style: chr16-2127597-A-G.
Other names: c.1493+1011A>G (NM_001406693.1, NM_001406690.1, NM_001406692.1 and 5 more transcripts); c.2927+1011A>G (NM_001406667.1, NM_001406668.1); c.2238-2A>G (NM_001406680.1, NM_001406683.1, NM_001406682.1 and 1 more transcripts); c.2237+1011A>G (NM_001406687.1, NM_001406685.1, NM_001318831.2 and 2 more transcripts); c.1494-2A>G (NM_001406689.1); c.1235+1011A>G (NM_001406698.1); c.2838-2A>G (NM_001114382.3, NM_001406663.1, NM_001406664.1); c.2837+1011A>G (NM_021055.3, NM_001370405.1, NM_001363528.2 and 3 more transcripts); and 8 more.
Identifiers: ClinVar variation 2844726 (VCV002844726.3), dbSNP rs2543971791, ClinGen allele CA394280696.

ClinVar aggregate classification (germline): Uncertain significance (1 of 4 stars; one submission).

Conditions:
Tuberous sclerosis 2 (TSC2). Identifiers: Orphanet 805, MedGen C1860707, MONDO:0013199, OMIM 613254.

Submission:

Labcorp Genetics (formerly Invitae), Labcorp
Classification: Uncertain significance for Tuberous sclerosis 2. Last evaluated: 2023-03-10. Review status: criteria provided, single submitter. Criteria: Invitae Variant Classification Sherloc (09022015). Collection method: clinical testing. Allele origin: germline.
Comment: This sequence change affects an acceptor splice site in intron 25 of the TSC2 gene. It is expected to disrupt RNA splicing. Variants that disrupt the donor or acceptor splice site typically lead to a loss of protein function (PMID: 16199547), however the current clinical and genetic evidence is not sufficient to establish whether loss-of-function variants in TSC2 cause disease. This variant is not present in population databases (gnomAD no frequency). This variant has not been reported in the literature in individuals affected with TSC2-related conditions. Algorithms developed to predict the effect of sequence changes on RNA splicing suggest that this variant may disrupt the consensus splice site. In summary, the available evidence is currently insufficient to determine the role of this variant in disease. Therefore, it has been classified as a Variant of Uncertain Significance.

Literature cited by the submitters: PubMed 16199547.